The following is an entry in ClinVar:

NM_000059.4(BRCA2):c.10040T>G (p.Ile3347Arg)

Gene: BRCA2 (BRCA2 DNA repair associated; plus strand). Cytogenetic location: 13q13.1.
Variant type: single nucleotide variant.
Coding change: c.10040T>G on transcript NM_000059.4 (MANE Select); coding-DNA position 10040, T replaced by G.
Protein change: p.Ile3347Arg; replaces isoleucine 3347 with arginine.
Molecular consequence: missense variant.
Genome position (GRCh38, 1-based): chr13:32,398,553, T>G. VCF-style: chr13-32398553-T-G. GRCh37 (hg19) VCF-style: chr13-32972690-T-G.
Other names: short protein forms I3347R.
Identifiers: ClinVar variation 950920 (VCV000950920.14), dbSNP rs587782373, ClinGen allele CA387767802.
Genomic context (GRCh38, chr13:32,398,553, plus strand): 5'-AATTCAATGAAATTTCTCTTTTGGAAAGTAATTCAATAGCTGACGAAGAACTTGCATTGA[T>G]AAATACCCAAGCTCTTTTGTCTGGTTCAACAGGAGAAAAACAATTTATATCTGTCAGTGA-3'
Protein context (NP_000050.3, residues 3337-3357): NSIADEELAL[Ile3347Arg]NTQALLSGST

ClinVar aggregate classification (germline): Uncertain significance. Review status: criteria provided, multiple submitters, no conflicts (2 of 4 stars). 3 submissions from 3 submitters: Uncertain significance (3). Last evaluated 2024-10-29.

Conditions:
Hereditary breast ovarian cancer syndrome. Also called: Hereditary breast and ovarian cancer; Hereditary breast and/or ovarian cancer syndrome; Hereditary breast and ovarian cancer syndrome; Hereditary breast and ovarian cancer syndrome (HBOC); BRCA1- and BRCA2-Associated Hereditary Breast and Ovarian Cancer; Breast and ovarian cancer. Identifiers: Orphanet 145, MedGen C0677776, MeSH D061325, MONDO:0003582. Disease mechanism: loss of function.
Familial cancer of breast. Also called: BREAST CANCER, FAMILIAL; Hereditary breast cancer; hereditary breast carcinoma. Identifiers: Orphanet 227535, MedGen C0346153, MONDO:0016419, OMIM 114480. Disease mechanism: loss of function.
Hereditary cancer-predisposing syndrome. Also called: Tumor predisposition; Hereditary neoplastic syndrome; Neoplastic Syndromes, Hereditary; Hereditary Cancer Syndrome. Identifiers: Orphanet 140162, MedGen C0027672, MeSH D009386, MONDO:0015356.

Submissions (3):

Ambry Genetics
Classification: Uncertain significance for Hereditary cancer-predisposing syndrome. Last evaluated: 2024-10-29. Review status: criteria provided, single submitter. Criteria: Ambry Variant Classification Scheme 2023. Collection method: clinical testing. Allele origin: germline.
Comment: The p.I3347R variant (also known as c.10040T>G), located in coding exon 26 of the BRCA2 gene, results from a T to G substitution at nucleotide position 10040. The isoleucine at codon 3347 is replaced by arginine, an amino acid with similar properties. This amino acid position is conserved. In addition, this alteration is predicted to be tolerated by in silico analysis. Since supporting evidence is limited at this time, the clinical significance of this alteration remains unclear.

Labcorp Genetics (formerly Invitae), Labcorp
Classification: Uncertain significance for Hereditary breast ovarian cancer syndrome. Last evaluated: 2024-04-09. Review status: criteria provided, single submitter. Criteria: Invitae Variant Classification Sherloc (09022015). Collection method: clinical testing. Allele origin: germline.
Comment: This sequence change replaces isoleucine, which is neutral and non-polar, with arginine, which is basic and polar, at codon 3347 of the BRCA2 protein (p.Ile3347Arg). This variant is not present in population databases (gnomAD no frequency). This variant has not been reported in the literature in individuals affected with BRCA2-related conditions. ClinVar contains an entry for this variant (Variation ID: 950920). Advanced modeling of protein sequence and biophysical properties (such as structural, functional, and spatial information, amino acid conservation, physicochemical variation, residue mobility, and thermodynamic stability) performed at Invitae indicates that this missense variant is not expected to disrupt BRCA2 protein function with a negative predictive value of 95%. In summary, the available evidence is currently insufficient to determine the role of this variant in disease. Therefore, it has been classified as a Variant of Uncertain Significance.

Baylor Genetics
Classification: Uncertain significance for Familial cancer of breast. Last evaluated: 2024-02-06. Review status: criteria provided, single submitter. Criteria: ACMG Guidelines, 2015. Collection method: clinical testing. Allele origin: unknown.